The following is an entry in ClinVar:

ClinVar aggregate classification (germline): Uncertain significance (1 of 4 stars; one submission).

Allele frequency attached by ClinVar (database versions not stated): ExAC 0.00005; gnomAD 0.00006; TOPMed 0.00006; gnomAD exomes 0.00009; ESP Exome Variant Server 0.00015.
gnomAD v4.1: 130 of 1,594,682 alleles (0.0082%); highest among the groups gnomAD compares: Non-Finnish European, 0.011%; no homozygotes.

Submission:

Labcorp Genetics (formerly Invitae), Labcorp
Classification: Uncertain significance. Last evaluated: 2023-12-19. Review status: criteria provided, single submitter. Criteria: Invitae Variant Classification Sherloc (09022015). Collection method: clinical testing. Allele origin: germline.
Comment: This sequence change replaces threonine, which is neutral and polar, with serine, which is neutral and polar, at codon 682 of the EPS8L2 protein (p.Thr682Ser). This variant is present in population databases (rs368622557, gnomAD 0.007%). This variant has not been reported in the literature in individuals affected with EPS8L2-related conditions. ClinVar contains an entry for this variant (Variation ID: 2070222). Algorithms developed to predict the effect of missense changes on protein structure and function output the following: SIFT: "Not Available"; PolyPhen-2: "Benign"; Align-GVGD: "Not Available". The serine amino acid residue is found in multiple mammalian species, which suggests that this missense change does not adversely affect protein function. In summary, the available evidence is currently insufficient to determine the role of this variant in disease. Therefore, it has been classified as a Variant of Uncertain Significance.

NM_022772.4(EPS8L2):c.2044A>T (p.Thr682Ser)

Gene: EPS8L2 (EPS8 signaling adaptor L2; plus strand). Cytogenetic location: 11p15.5.
Variant type: single nucleotide variant.
Coding change: c.2044A>T on transcript NM_022772.4 (MANE Select); coding-DNA position 2044, A replaced by T.
Protein change: p.Thr682Ser; replaces threonine 682 with serine.
Molecular consequence: missense variant.
Genome position (GRCh38, 1-based): chr11:726,728, A>T. VCF-style: chr11-726728-A-T. GRCh37 (hg19) VCF-style: chr11-726728-A-T.
Other names: short protein forms T682S.
Identifiers: ClinVar variation 2070222 (VCV002070222.2), dbSNP rs368622557, ClinGen allele CA5787875.